The following is an entry in ClinVar:

NM_000287.4(PEX6):c.1930C>T (p.Arg644Trp)

Gene: PEX6 (peroxisomal biogenesis factor 6; minus strand). Cytogenetic location: 6p21.1.
Variant type: single nucleotide variant.
Coding change: c.1930C>T on transcript NM_000287.4 (MANE Select); coding-DNA position 1930, C replaced by T.
Protein change: p.Arg644Trp; replaces arginine 644 with tryptophan.
Molecular consequence: missense variant. On other transcripts: non-coding transcript variant (1).
Genome position (GRCh38, 1-based): chr6:42,966,813, G>A on the plus strand (C>T on the coding strand, the complement: PEX6 is on the minus strand). VCF-style: chr6-42966813-G-A. GRCh37 (hg19) VCF-style: chr6-42934551-G-A.
Other names: c.1666C>T, p.Arg556Trp (NM_001316313.2); short protein forms R644W, R556W.
Identifiers: ClinVar variation 217425 (VCV000217425.10), dbSNP rs769896492, ClinGen allele CA210645.

ClinVar aggregate classification (germline): Conflicting classifications of pathogenicity. Review status: criteria provided, conflicting classifications (1 of 4 stars). 7 submissions from 7 submitters: Likely pathogenic (3); Uncertain significance (2). 2 of the submissions do not count toward it. Last evaluated 2025-06-20.

Conditions:
PEX6-related disorder. Also called: PEX6-related condition; PEX6-related disorders.
Zellweger spectrum disorders (ZS). Also called: Zellweger Spectrum Disorder; Zellweger Spectrum; Zellweger Spectrum Disorder (ZSD); Zellweger syndrome. Identifiers: Orphanet 912, MedGen C0043459, MONDO:0019609.
Heimler syndrome 2 (HMLR2). Also called: PEROXISOME BIOGENESIS DISORDER 4C. Identifiers: Orphanet 3220, MedGen C4225267, OMIM 616617, MONDO:0014709.
Peroxisome biogenesis disorder 4A (Zellweger) (PBD4A). Also called: Zellweger syndrome spectrum (PEX6-related). Identifiers: Orphanet 912, MedGen C3553936, MONDO:0013930, OMIM 614862. Disease mechanism: loss of function.
Peroxisome biogenesis disorder 4B (PBD4B). Also called: SPINOCEREBELLAR ATAXIA WITH BLINDNESS AND DEAFNESS 1. Identifiers: Orphanet 44, Orphanet 95433, MedGen C3553937, MONDO:0013931, OMIM 614863.
Peroxisome biogenesis disorder. Identifiers: Orphanet 79189, MedGen C1832200, MONDO:0019234. Disease mechanism: loss of function.

Allele frequency attached by ClinVar (database versions not stated): gnomAD below 0.00001 and 0.00001; ExAC 0.00003; gnomAD exomes 0.00004 and 0.00005.
gnomAD v4.1: 58 of 1,613,606 alleles (0.0036%); highest among the groups gnomAD compares: South Asian, 0.0066%; no homozygotes.

Submissions (7):

Natera, Inc.
Classification: Likely pathogenic for Zellweger syndrome. Last evaluated: 2025-06-20. Review status: criteria provided, single submitter. Criteria: Natera Variant Classification Schema (03/2026). Collection method: clinical testing. Allele origin: germline.
Comment: The c.1930C>T variant in PEX6 is a missense variant predicted to cause substitution of arginine to tryptophan at amino acid 644. This variant is rare in the general population with a frequency below the threshold expected for the associated phenotype(s). This variant has been observed in one or more individuals affected with the associated recessive disease, as either homozygous or compound heterozygous with a second variant (PMID: 26387595). Additionally, this variant has been observed to segregate in affected family members (PMID: 26387595). Functional studies show that this variant may disrupt protein function (PMID: 26387595). Computational prediction algorithms indicate this variant is likely to affect gene or protein function. Given the available evidence, this variant is classified as Likely Pathogenic.

Labcorp Genetics (formerly Invitae), Labcorp
Classification: Uncertain significance for Peroxisome biogenesis disorder. Last evaluated: 2024-02-23. Review status: criteria provided, single submitter. Criteria: Invitae Variant Classification Sherloc (09022015). Collection method: clinical testing. Allele origin: germline.
Comment: This sequence change replaces arginine, which is basic and polar, with tryptophan, which is neutral and slightly polar, at codon 644 of the PEX6 protein (p.Arg644Trp). This variant is present in population databases (rs769896492, gnomAD 0.05%). This missense change has been observed in individual(s) with Heimler syndrome (PMID: 26387595). It has also been observed to segregate with disease in related individuals. ClinVar contains an entry for this variant (Variation ID: 217425). Advanced modeling of protein sequence and biophysical properties (such as structural, functional, and spatial information, amino acid conservation, physicochemical variation, residue mobility, and thermodynamic stability) has been performed at Invitae for this missense variant, however the output from this modeling did not meet the statistical confidence thresholds required to predict the impact of this variant on PEX6 protein function. Experimental studies have shown that this missense change affects PEX6 function (PMID: 26387595). In summary, the available evidence is currently insufficient to determine the role of this variant in disease. Therefore, it has been classified as a Variant of Uncertain Significance.

Fulgent Genetics
Classification: Likely pathogenic for Peroxisome biogenesis disorder 4A (Zellweger); Peroxisome biogenesis disorder 4B; Heimler syndrome 2. Last evaluated: 2024-01-06. Review status: criteria provided, single submitter. Criteria: ACMG Guidelines, 2015. Collection method: clinical testing. Allele origin: germline.

Blueprint Genetics
Classification: Likely pathogenic for PEX6-related disorders. Last evaluated: 2021-12-28. Review status: criteria provided, single submitter. Criteria: ACMG Guidelines, 2015. Collection method: clinical testing. Allele origin: germline. Affected: yes. Observed: 5 variant alleles.

Women's Health and Genetics/Laboratory Corporation of America, LabCorp
Classification: Uncertain significance. Last evaluated: 2021-03-03. Review status: criteria provided, single submitter. Criteria: LabCorp Variant Classification Summary - May 2015. Collection method: clinical testing. Allele origin: germline.
Comment: Variant summary: PEX6 c.1930C>T (p.Arg644Trp) results in a non-conservative amino acid change in the encoded protein sequence. Five of five in-silico tools predict a damaging effect of the variant on protein function. The variant allele was found at a frequency of 4.8e-05 in 251362 control chromosomes. This frequency is not significantly higher than expected for a pathogenic variant in PEX6 causing Zellweger Syndrome (4.8e-05 vs 0.0019), allowing no conclusion about variant significance. c.1930C>T has been reported in the literature in compound heterozygosity with another PEX6 pathogenic variant in at-least two affected individuals from one family affected with Heimler syndrome (Ratbi_2015), who have been subsequently cited by others (example, Tucker_2020, and Gao_2019). These report(s) do not provide unequivocal conclusions about association of the variant with a complete defect in peroxisomal biogenesis as expected for Zellweger Syndrome. Both these individuals had normal persoxisomal parameters by biochemical analysis with a degree of peroxisomal mosaicism that was sensitive to temperature of cell culture prior to immunofluorescence analysis. To our knowledge, no experimental evidence demonstrating a variant specific impact on protein function has been reported. One database (OMIM) has submitted literature review based clinical-significance assessments for this variant to ClinVar after 2014 citing overlapping evidence utilized in the context of this evaluation and reporting a pathogenic outcome for Heimler syndrome. Based on the evidence outlined above, in the absence of additional clinical and functional assessment from multiple independent families supporting an unequivocal association to a defect in peroxisomal biogenesis, the variant was classified as uncertain significance.

PreventionGenetics, part of Exact Sciences
Classification: Uncertain significance for PEX6-related condition. Last evaluated: 2024-08-16. Review status: no assertion criteria provided. Collection method: clinical testing. Allele origin: germline. Not counted in ClinVar's aggregate classification.
Comment: The PEX6 c.1930C>T variant is predicted to result in the amino acid substitution p.Arg644Trp. This variant has been reported in the compound heterozygous state in at least two siblings with Heimler Syndrome (Family 5, Ratbi et al. 2015. PubMed ID: 26387595). This variant is reported in 0.050% of alleles in individuals of Ashkenazi Jewish descent in gnomAD. At this time, the clinical significance of this variant is uncertain due to the absence of conclusive functional and genetic evidence.

OMIM
Classification: Pathogenic for HEIMLER SYNDROME 2. Last evaluated: 2015-10-01. Review status: no assertion criteria provided. Collection method: literature only. Allele origin: germline. Not counted in ClinVar's aggregate classification.

Literature cited by the submitters: PubMed 26387595 (cited by 4 submitters); PubMed 31831025 (cited by Women's Health and Genetics/Laboratory Corporation of America, LabCorp); PubMed 32399598 (cited by Women's Health and Genetics/Laboratory Corporation of America, LabCorp).